The following is an entry in ClinVar:

ClinVar aggregate classification (germline): Pathogenic/Likely pathogenic. Review status: criteria provided, multiple submitters, no conflicts (2 of 4 stars). 2 submissions from 2 submitters: Pathogenic (1); Likely pathogenic (1). Last evaluated 2023-12-07.

Conditions:
Neurofibromatosis, type 1 (NF1). Also called: Neurofibromatosis, type I; VON RECKLINGHAUSEN DISEASE; NEUROFIBROMATOSIS, TYPE I, SOMATIC; Peripheral type neurofibromatosis. Identifiers: Orphanet 636, MedGen C0027831, MONDO:0018975, OMIM 162200. Disease mechanism: loss of function.

Submissions (2):

Labcorp Genetics (formerly Invitae), Labcorp
Classification: Pathogenic for Neurofibromatosis, type 1. Last evaluated: 2023-12-07. Review status: criteria provided, single submitter. Criteria: Invitae Variant Classification Sherloc (09022015). Collection method: clinical testing. Allele origin: germline.
Comment: This sequence change replaces alanine, which is neutral and non-polar, with proline, which is neutral and non-polar, at codon 1071 of the NF1 protein (p.Ala1071Pro). This variant is not present in population databases (gnomAD no frequency). This missense change has been observed in individual(s) with clinical features of neurofibromatosis, type 1 and/or Noonan syndrome (PMID: 24789688, 26056819; Invitae). In at least one individual the variant was observed to be de novo. ClinVar contains an entry for this variant (Variation ID: 996519). Advanced modeling of protein sequence and biophysical properties (such as structural, functional, and spatial information, amino acid conservation, physicochemical variation, residue mobility, and thermodynamic stability) performed at Invitae indicates that this missense variant is expected to disrupt NF1 protein function with a positive predictive value of 95%. For these reasons, this variant has been classified as Pathogenic.

Genome Diagnostics Laboratory, The Hospital for Sick Children
Classification: Likely pathogenic for Neurofibromatosis, type 1. Last evaluated: 2020-10-26. Review status: criteria provided, single submitter. Criteria: ACMG Guidelines, 2015. Collection method: clinical testing. Allele origin: germline. Affected: yes.

Literature cited by the submitters: PubMed 24789688 (cited by Labcorp Genetics (formerly Invitae), Labcorp); PubMed 26056819 (cited by Labcorp Genetics (formerly Invitae), Labcorp).

NM_001042492.3(NF1):c.3211G>C (p.Ala1071Pro)

Gene: NF1 (neurofibromin 1; plus strand). Cytogenetic location: 17q11.2.
Variant type: single nucleotide variant.
Coding change: c.3211G>C on transcript NM_001042492.3 (MANE Select); coding-DNA position 3211, G replaced by C.
Protein change: p.Ala1071Pro; replaces alanine 1071 with proline.
Molecular consequence: missense variant.
Genome position (GRCh38, 1-based): chr17:31,232,086, G>C. VCF-style: chr17-31232086-G-C. GRCh37 (hg19) VCF-style: chr17-29559104-G-C.
Other names: c.3211G>C, p.Ala1071Pro (NM_000267.4); short protein forms A1071P.
Identifiers: ClinVar variation 996519 (VCV000996519.6), dbSNP rs2067122183, ClinGen allele CA398988605.